The following is an entry in ClinVar:

NM_006030.4(CACNA2D2):c.2841T>C (p.Ala947=)

Genes: CACNA2D2 (calcium voltage-gated channel auxiliary subunit alpha2delta 2; minus strand), LOC101928965 (uncharacterized LOC101928965; plus strand), LOC127898564 (CYB561D2-LOC101928965; plus strand). Cytogenetic location: 3p21.31.
Variant type: single nucleotide variant.
Coding change: c.2841T>C on transcript NM_006030.4 (MANE Select); coding-DNA position 2841, T replaced by C.
Protein change: p.Ala947=; no amino-acid change (alanine 947 retained).
Molecular consequence: synonymous variant.
Genome position (GRCh38, 1-based): chr3:50,366,032, A>G on the plus strand (T>C on the coding strand, the complement: CACNA2D2 is on the minus strand). VCF-style: chr3-50366032-A-G. GRCh37 (hg19) VCF-style: chr3-50403463-A-G.
Other names: c.2841T>C (NM_006030.3); c.2841T>C, p.Ala947= (NM_001005505.3); c.2862T>C, p.Ala954= (NM_001174051.3); c.2634T>C, p.Ala878= (NM_001291101.1).
Identifiers: ClinVar variation 1589990 (VCV001589990.11), dbSNP rs373171224, ClinGen allele CA2418361.

ClinVar aggregate classification (germline): Likely benign. Review status: criteria provided, single submitter (1 of 4 stars). 2 submissions from 2 submitters: Likely benign (1). 1 of the submissions does not count toward it. Last evaluated 2026-02-02.

Conditions:
Early-infantile DEE. Also called: Ohtahara syndrome; Early infantile epileptic encephalopathy; Early infantile epileptic encephalopathy with suppression bursts. Identifiers: Orphanet 1934, MedGen C0393706, MONDO:0800491.
CACNA2D2-related disorder. Also called: CACNA2D2-related condition.

Allele frequency attached by ClinVar (database versions not stated): ExAC 0.00001; gnomAD exomes 0.00001 and 0.00004; gnomAD 0.00004; TOPMed 0.00004; ESP Exome Variant Server 0.00008.
gnomAD v4.1: 59 of 1,612,946 alleles (0.0037%); highest among the groups gnomAD compares: Non-Finnish European, 0.0047%; no homozygotes.

Submissions (2):

Labcorp Genetics (formerly Invitae), Labcorp
Classification: Likely benign for Early-infantile DEE. Last evaluated: 2026-02-02. Review status: criteria provided, single submitter. Criteria: Invitae Variant Classification Sherloc (09022015). Collection method: clinical testing. Allele origin: germline.

PreventionGenetics, part of Exact Sciences
Classification: Likely benign for CACNA2D2-related condition. Last evaluated: 2019-08-14. Review status: no assertion criteria provided. Collection method: clinical testing. Allele origin: germline. Not counted in ClinVar's aggregate classification.
Comment: This variant is classified as likely benign based on ACMG/AMP sequence variant interpretation guidelines (Richards et al. 2015 PMID: 25741868, with internal and published modifications).